The following is an entry in ClinVar:

ClinVar aggregate classification (germline): Conflicting classifications of pathogenicity. Review status: criteria provided, conflicting classifications (1 of 4 stars). 2 submissions from 2 submitters: Uncertain significance (1); Likely benign (1). Last evaluated 2025-08-31.

Conditions:
Ehlers-Danlos syndrome, classic type, 1 (EDSCL1). Also called: EHLERS-DANLOS SYNDROME, GRAVIS TYPE; EHLERS-DANLOS SYNDROME, SEVERE CLASSIC TYPE; Ehlers-Danlos Syndrome, Classic Type, COL5A1-Related; EDS I; Ehlers-Danlos syndrome, type 1. Identifiers: MedGen C0268335, MONDO:0019567, OMIM 130000.
Familial thoracic aortic aneurysm and aortic dissection (TAAD). Also called: Thoracic aortic aneurysms and dissections. Identifiers: Orphanet 91387, MedGen C4707243, MONDO:0019625.

Allele frequency attached by ClinVar (database versions not stated): ExAC 0.00003; gnomAD 0.00011; gnomAD exomes 0.00001 and 0.00003; TOPMed 0.00011; 1000 Genomes Project 0.00020; 1000 Genomes Project 30x 0.00031; ESP Exome Variant Server 0.00008.
gnomAD v4.1: 35 of 1,613,328 alleles (0.0022%); highest among the groups gnomAD compares: African/African-American, 0.043%; no homozygotes.

Submissions (2):

Labcorp Genetics (formerly Invitae), Labcorp
Classification: Likely benign for Ehlers-Danlos syndrome, classic type, 1. Last evaluated: 2025-08-31. Review status: criteria provided, single submitter. Criteria: Invitae Variant Classification Sherloc (09022015). Collection method: clinical testing. Allele origin: germline.

Ambry Genetics
Classification: Uncertain significance for Familial thoracic aortic aneurysm and aortic dissection. Last evaluated: 2025-05-28. Review status: criteria provided, single submitter. Criteria: Ambry Variant Classification Scheme 2023. Collection method: clinical testing. Allele origin: germline.
Comment: The p.P1478L variant (also known as c.4433C>T), located in coding exon 57 of the COL5A1 gene, results from a C to T substitution at nucleotide position 4433. The proline at codon 1478 is replaced by leucine, an amino acid with similar properties. This amino acid position is well conserved in available vertebrate species. In addition, the in silico prediction for this alteration is inconclusive. Since supporting evidence is limited at this time, the clinical significance of this alteration remains unclear.

NM_000093.5(COL5A1):c.4433C>T (p.Pro1478Leu)

Gene: COL5A1 (collagen type V alpha 1 chain; plus strand). Cytogenetic location: 9q34.3.
Variant type: single nucleotide variant.
Coding change: c.4433C>T on transcript NM_000093.5 (MANE Select); coding-DNA position 4433, C replaced by T.
Protein change: p.Pro1478Leu; replaces proline 1478 with leucine.
Molecular consequence: missense variant.
Genome position (GRCh38, 1-based): chr9:134,819,040, C>T. VCF-style: chr9-134819040-C-T. GRCh37 (hg19) VCF-style: chr9-137710886-C-T.
Other names: c.4433C>T, p.Pro1478Leu (NM_001278074.1); short protein forms P1478L.
Identifiers: ClinVar variation 409119 (VCV000409119.15), dbSNP rs377062537, ClinGen allele CA5320288.
Genomic context (GRCh38, chr9:134,819,040, plus strand): 5'-CCCCCTGCCTCCTCCCACAGGGTCCCCCAGGACTTCCCGGCCTCAAAGGAGATTCTGGTC[C>T]CAAAGGTGAAAAGGTAAGAGGGGCCTCCCTGCCCCAGCAACTGTGACTCGGGGCCTTCAA-3'
Protein context (NP_000084.3, residues 1468-1488): GLPGLKGDSG[Pro1478Leu]KGEKGHPGLI